The following is an entry in ClinVar:

ClinVar aggregate classification (germline): Likely benign. Review status: criteria provided, multiple submitters, no conflicts (2 of 4 stars). 2 submissions from 2 submitters: Likely benign (2). Last evaluated 2026-03-12.

Conditions:
RP1L1-related disorder. Also called: RP1L1-related condition.

gnomAD v4.1: 24 of 1,614,206 alleles (0.0015%); highest among the groups gnomAD compares: East Asian, 0.018%; no homozygotes.

Submissions (2):

PreventionGenetics, part of Exact Sciences
Classification: Likely benign for RP1L1-related condition. Last evaluated: 2026-03-12. Review status: criteria provided, single submitter. Criteria: ACMG Guidelines, 2015. Collection method: clinical testing. Allele origin: germline.
Comment: This variant is classified as likely benign based on ACMG/AMP sequence variant interpretation guidelines (Richards et al. 2015 PMID: 25741868, with internal and published modifications).

Blueprint Genetics
Classification: Likely benign. Last evaluated: 2024-03-15. Review status: criteria provided, single submitter. Criteria: ACMG Guidelines, 2015. Collection method: clinical testing. Allele origin: germline.

NM_178857.6(RP1L1):c.5457G>A (p.Ala1819=)

Gene: RP1L1 (RP1 like 1). Cytogenetic location: 8p23.1.
Variant type: single nucleotide variant.
Coding change: c.5457G>A on transcript NM_178857.6 (MANE Select); coding-DNA position 5457, G replaced by A.
Protein change: p.Ala1819=; no amino-acid change (alanine 1819 retained).
Molecular consequence: synonymous variant.
Genome position (GRCh38, 1-based): chr8:10,608,641, C>T on the plus strand (G>A on the coding strand, the complement: RP1L1 is on the minus strand). VCF-style: chr8-10608641-C-T. GRCh37 (hg19) VCF-style: chr8-10466151-C-T.
Other names: c.5457G>A (NM_178857.5).
Identifiers: ClinVar variation 4898969 (VCV004898969.2).